The following is an entry in ClinVar:

ClinVar aggregate classification (germline): Uncertain significance. Review status: criteria provided, multiple submitters, no conflicts (2 of 4 stars). 2 submissions from 2 submitters: Uncertain significance (2). Last evaluated 2024-03-01.

Conditions:
Developmental and epileptic encephalopathy, 12 (DEE12). Identifiers: MedGen C3150988, MONDO:0013389, OMIM 613722.

Allele frequency attached by ClinVar (database versions not stated): TOPMed 0.00001; ExAC 0.00002; gnomAD 0.00002; gnomAD exomes 0.00003.
gnomAD v4.1: 28 of 1,613,640 alleles (0.0017%); highest among the groups gnomAD compares: South Asian, 0.019%; no homozygotes.

Submissions (2):

Labcorp Genetics (formerly Invitae), Labcorp
Classification: Uncertain significance for Developmental and epileptic encephalopathy, 12. Last evaluated: 2024-03-01. Review status: criteria provided, single submitter. Criteria: Invitae Variant Classification Sherloc (09022015). Collection method: clinical testing. Allele origin: germline.
Comment: This sequence change replaces arginine, which is basic and polar, with glutamine, which is neutral and polar, at codon 1020 of the PLCB1 protein (p.Arg1020Gln). This variant is present in population databases (rs758283980, gnomAD 0.02%). This variant has not been reported in the literature in individuals affected with PLCB1-related conditions. ClinVar contains an entry for this variant (Variation ID: 1388893). Advanced modeling of protein sequence and biophysical properties (such as structural, functional, and spatial information, amino acid conservation, physicochemical variation, residue mobility, and thermodynamic stability) performed at Invitae indicates that this missense variant is not expected to disrupt PLCB1 protein function with a negative predictive value of 80%. In summary, the available evidence is currently insufficient to determine the role of this variant in disease. Therefore, it has been classified as a Variant of Uncertain Significance.

Revvity Omics, Revvity
Classification: Uncertain significance for Developmental and epileptic encephalopathy, 12. Last evaluated: 2023-11-07. Review status: criteria provided, single submitter. Criteria: ACMG Guidelines, 2015. Collection method: clinical testing. Allele origin: germline.

NM_015192.4(PLCB1):c.3059G>A (p.Arg1020Gln)

Gene: PLCB1 (phospholipase C beta 1; plus strand). Cytogenetic location: 20p12.3.
Variant type: single nucleotide variant.
Coding change: c.3059G>A on transcript NM_015192.4 (MANE Select); coding-DNA position 3059, G replaced by A.
Protein change: p.Arg1020Gln; replaces arginine 1020 with glutamine.
Molecular consequence: missense variant.
Genome position (GRCh38, 1-based): chr20:8,774,667, G>A. VCF-style: chr20-8774667-G-A. GRCh37 (hg19) VCF-style: chr20-8755314-G-A.
Other names: c.3059G>A, p.Arg1020Gln (NM_182734.3); c.3059G>A (NM_015192.3); short protein forms R1020Q.
Identifiers: ClinVar variation 1388893 (VCV001388893.10), dbSNP rs758283980, ClinGen allele CA9760446.